The following is an entry in ClinVar:

ClinVar aggregate classification (germline): Pathogenic (1 of 4 stars; one submission).

Conditions:
Tumor predisposition syndrome 3 (TPDS3). Also called: Glioma susceptibility 9; LONG TELOMERE SYNDROME, POT1-RELATED; POT1 Tumor Predisposition; Melanoma, cutaneous malignant, susceptibility to, 10. Identifiers: Orphanet 618, MedGen C4014476, MONDO:0014368, OMIM 615848.

Submission:

Labcorp Genetics (formerly Invitae), Labcorp
Classification: Pathogenic for Tumor predisposition syndrome 3. Last evaluated: 2023-07-14. Review status: criteria provided, single submitter. Criteria: Invitae Variant Classification Sherloc (09022015). Collection method: clinical testing. Allele origin: germline.
Comment: This sequence change affects the initiator methionine of the POT1 mRNA. The next in-frame methionine is located at codon 132. For these reasons, this variant has been classified as Pathogenic. This variant disrupts a region of the POT1 protein in which other variant(s) (p.Arg117Cys) have been determined to be pathogenic (PMID: 26403419; Invitae). This suggests that this is a clinically significant region of the protein, and that variants that disrupt it are likely to be disease-causing. This variant at the initiator codon is expected to affect translation initiation. Rescue of translation at the next in-frame methionine at codon 132 is expected to disrupt the oligonucleotide binding 1 (OB1) domain, which facilitates binding to ssDNA critical for POT1 and TPP1 dimerization (PMID: 23502782, 25934589). However, functional studies have not been performed for this specific variant. ClinVar contains an entry for this variant (Variation ID: 1510948). This variant has not been reported in the literature in individuals affected with POT1-related conditions. This variant is not present in population databases (gnomAD no frequency).

Literature cited by the submitters: PubMed 26403419; PubMed 23502782; PubMed 25934589.

NM_015450.3(POT1):c.2T>C (p.Met1Thr)

Gene: POT1 (protection of telomeres 1; minus strand). Cytogenetic location: 7q31.33.
Variant type: single nucleotide variant.
Coding change: c.2T>C on transcript NM_015450.3 (MANE Select); coding-DNA position 2, T replaced by C.
Protein change: p.Met1Thr; changes the start codon (methionine 1).
Molecular consequence: missense variant, initiator codon variant. On other transcripts: 5 prime UTR variant (1), non-coding transcript variant (3).
Genome position (GRCh38, 1-based): chr7:124,897,172, A>G on the plus strand (T>C on the coding strand, the complement: POT1 is on the minus strand). VCF-style: chr7-124897172-A-G. GRCh37 (hg19) VCF-style: chr7-124537226-A-G.
Other names: c.-261T>C (NM_001042594.2); short protein forms M1T.
Identifiers: ClinVar variation 1510948 (VCV001510948.6), dbSNP rs2116643224, ClinGen allele CA369066376.